The following is an entry in ClinVar:

ClinVar aggregate classification (germline): Uncertain significance. Review status: criteria provided, multiple submitters, no conflicts (2 of 4 stars). 2 submissions from 2 submitters: Uncertain significance (2). Last evaluated 2024-11-07.

Conditions:
Neuronal ceroid lipofuscinosis. Also called: Neuronal Ceroid Lipofuscinoses. Identifiers: Orphanet 216, Orphanet 79263, MedGen C0027877, MONDO:0016295. Disease mechanism: loss of function.
Inborn genetic diseases. Identifiers: MedGen C0950123, MeSH D030342.

Submissions (2):

Ambry Genetics
Classification: Uncertain significance for Inborn genetic diseases. Last evaluated: 2024-11-07. Review status: criteria provided, single submitter. Criteria: Ambry Variant Classification Scheme 2023. Collection method: clinical testing. Allele origin: germline.

Labcorp Genetics (formerly Invitae), Labcorp
Classification: Uncertain significance for Neuronal ceroid lipofuscinosis. Last evaluated: 2022-03-19. Review status: criteria provided, single submitter. Criteria: Invitae Variant Classification Sherloc (09022015). Collection method: clinical testing. Allele origin: germline.
Comment: This sequence change replaces arginine, which is basic and polar, with cysteine, which is neutral and slightly polar, at codon 22 of the CLN5 protein (p.Arg22Cys). This variant is not present in population databases (gnomAD no frequency). This variant has not been reported in the literature in individuals affected with CLN5-related conditions. Algorithms developed to predict the effect of missense changes on protein structure and function are either unavailable or do not agree on the potential impact of this missense change (SIFT: "Deleterious"; PolyPhen-2: "Possibly Damaging"; Align-GVGD: "Class C0"). In summary, the available evidence is currently insufficient to determine the role of this variant in disease. Therefore, it has been classified as a Variant of Uncertain Significance.

NC_000013.11:g.76992015C>T

Gene: CLN5 (CLN5 lysosomal BMP synthase; plus strand). Cytogenetic location: 13q22.3.
Variant type: single nucleotide variant.
Genome position: GRCh38 VCF-style: chr13-76992015-C-T. GRCh37 (hg19) VCF-style: chr13-77566150-C-T.
Identifiers: ClinVar variation 2180029 (VCV002180029.2), dbSNP rs558597827, ClinGen allele CA313931.